The following is an entry in ClinVar:

ClinVar aggregate classification (germline): Uncertain significance (1 of 4 stars; one submission).

Submission:

Dasa
Classification: Uncertain significance. Last evaluated: 2025-08-29. Review status: criteria provided, single submitter. Criteria: DASA Assertion Criteria. Collection method: clinical testing. Allele origin: germline.
Comment: NM_030665.4(RAI1):c.4906T>C (p.Ser1636Pro) is a missense variant that results in the substitution of serine with proline. This variant is absent from population databases. Computational prediction algorithms are consistent with a benign effect. The currently available literature and clinical evidence are not sufficient to establish a definitive association between this variant and the reported condition. Therefore, this variant is classified as a variant of uncertain significance.

NM_030665.4(RAI1):c.4906T>C (p.Ser1636Pro)

Gene: RAI1 (retinoic acid induced 1; plus strand). Cytogenetic location: 17p11.2.
Variant type: single nucleotide variant.
Coding change: c.4906T>C on transcript NM_030665.4 (MANE Select); coding-DNA position 4906, T replaced by C.
Protein change: p.Ser1636Pro; replaces serine 1636 with proline.
Molecular consequence: missense variant.
Genome position (GRCh38, 1-based): chr17:17,797,854, T>C. VCF-style: chr17-17797854-T-C. GRCh37 (hg19) VCF-style: chr17-17701168-T-C.
Other names: short protein forms S1636P.
Identifiers: ClinVar variation 4883457 (VCV004883457.2).